The following is an entry in ClinVar:

NM_000059.4(BRCA2):c.5812G>C (p.Gly1938Arg)

Gene: BRCA2 (BRCA2 DNA repair associated; plus strand). Cytogenetic location: 13q13.1.
Variant type: single nucleotide variant.
Coding change: c.5812G>C on transcript NM_000059.4 (MANE Select); coding-DNA position 5812, G replaced by C.
Protein change: p.Gly1938Arg; replaces glycine 1938 with arginine.
Molecular consequence: missense variant. On other transcripts: non-coding transcript variant (1), intron variant (2).
Genome position (GRCh38, 1-based): chr13:32,340,167, G>C. VCF-style: chr13-32340167-G-C. GRCh37 (hg19) VCF-style: chr13-32914304-G-C.
Other names: c.5812G>C, p.Gly1938Arg (NM_001406719.1, NM_001406720.1, NM_001432077.1); c.1910-4391G>C (NM_001406721.1); c.425-4391G>C (NM_001406722.1); short protein forms G1938R.
Identifiers: ClinVar variation 3482139 (VCV003482139.1).

ClinVar aggregate classification (germline): Uncertain significance (1 of 4 stars; one submission).

Conditions:
Hereditary cancer-predisposing syndrome. Also called: Tumor predisposition; Neoplastic Syndromes, Hereditary; Hereditary Cancer Syndrome; Hereditary neoplastic syndrome. Identifiers: Orphanet 140162, MedGen C0027672, MeSH D009386, MONDO:0015356.

gnomAD v4.1: 1 of 1,613,104 alleles (0.000062%); highest among the groups gnomAD compares: Non-Finnish European, 0.000085%; no homozygotes.

Submission:

Ambry Genetics
Classification: Uncertain significance for Hereditary cancer-predisposing syndrome. Last evaluated: 2024-10-14. Review status: criteria provided, single submitter. Criteria: Ambry Variant Classification Scheme 2023. Collection method: clinical testing. Allele origin: germline.
Comment: The p.G1938R variant (also known as c.5812G>C), located in coding exon 10 of the BRCA2 gene, results from a G to C substitution at nucleotide position 5812. The glycine at codon 1938 is replaced by arginine, an amino acid with dissimilar properties. This amino acid position is conserved. In addition, this alteration is predicted to be tolerated by in silico analysis. Based on the available evidence, the clinical significance of this variant remains unclear.